The following is an entry in ClinVar:

NM_004183.4(BEST1):c.637-6C>T

Gene: BEST1 (bestrophin 1; plus strand). Cytogenetic location: 11q12.3.
Variant type: single nucleotide variant.
Coding change: c.637-6C>T on transcript NM_004183.4 (MANE Select); 6 bases into the intron before coding-DNA position 637, C replaced by T.
Molecular consequence: intron variant.
Genome position (GRCh38, 1-based): chr11:61,957,381, C>T. VCF-style: chr11-61957381-C-T. GRCh37 (hg19) VCF-style: chr11-61724853-C-T.
Other names: c.637-6C>T (NM_001363592.2, NM_001440571.1, NM_001440572.1 and 1 more transcripts); c.457-6C>T (NM_001139443.3, NM_001300787.2, NM_001440574.1 and 3 more transcripts); c.-539-6C>T (NM_001363593.3); c.319-6C>T (NM_001363591.3).
Identifiers: ClinVar variation 99732 (VCV000099732.64), dbSNP rs62639356, ClinGen allele CA227791.

ClinVar aggregate classification (germline): Conflicting classifications of pathogenicity. Review status: criteria provided, conflicting classifications (1 of 4 stars). 11 submissions from 9 submitters: Uncertain significance (1); Likely benign (6). 4 of the submissions do not count toward it. Last evaluated 2026-02-02.

Conditions:
Retinal dystrophy. Also called: Inherited retinal dystrophy. Identifiers: Orphanet 71862, MedGen C0854723, MeSH D058499, MONDO:0019118, HP:0000556.
Retinitis pigmentosa (RP). Identifiers: Orphanet 791, MedGen C0035334, MeSH D012174, MONDO:0019200, OMIM 268000. Inheritance: Autosomal dominant, autosomal recessive and X linked inheritance.
Autosomal dominant vitreoretinochoroidopathy. Also called: VITREORETINOCHOROIDOPATHY WITH MICROCORNEA, GLAUCOMA, AND CATARACT; VITREORETINOCHOROIDOPATHY, AUTOSOMAL DOMINANT, WITH NANOPHTHALMOS; Autosomal Dominant Vitreoretinochoroidopathy (ADVIRC). Identifiers: Orphanet 263347, Orphanet 3086, MedGen C3888099, MONDO:0008662, OMIM 193220.
Vitelliform macular dystrophy 2. Also called: Best vitelliform macular dystrophy, multifocal; MACULAR DEGENERATION, POLYMORPHIC VITELLINE; VITELLIFORM MACULAR DYSTROPHY, EARLY-ONSET; VITELLIFORM MACULAR DYSTROPHY, JUVENILE-ONSET; Best Macular Dystrophy; Best Vitelliform Macular Dystrophy (BVMD). Identifiers: Orphanet 1243, MedGen C2745945, MONDO:0007931, OMIM 153700.

Allele frequency attached by ClinVar (database versions not stated): gnomAD 0.00145 and 0.00147; ESP Exome Variant Server 0.00154; gnomAD exomes 0.00175 and 0.00099; 1000 Genomes Project 30x 0.00016; 1000 Genomes Project 0.00020; ExAC 0.00097; TOPMed 0.00133.
gnomAD v4.1: 2,762 of 1,613,670 alleles (0.17%); highest among the groups gnomAD compares: Middle Eastern, 0.33%; 1 homozygote.

Submissions (11):

Labcorp Genetics (formerly Invitae), Labcorp
Classification: Likely benign. Last evaluated: 2026-02-02. Review status: criteria provided, single submitter. Criteria: Invitae Variant Classification Sherloc (09022015). Collection method: clinical testing. Allele origin: germline.

CeGaT Center for Human Genetics Tuebingen
Classification: Likely benign. Last evaluated: 2025-03-01. Review status: criteria provided, single submitter. Criteria: CeGaT Center For Human Genetics Tuebingen Variant Classification Criteria Version 2. Collection method: clinical testing. Allele origin: germline. Affected: yes. Observed: 3 variant alleles.
Comment: BEST1: BP4

Blueprint Genetics
Classification: Likely benign. Last evaluated: 2024-11-26. Review status: criteria provided, single submitter. Criteria: ACMG Guidelines, 2015. Collection method: clinical testing. Allele origin: germline.

Illumina Laboratory Services, Illumina
Classification: Likely benign for Retinitis pigmentosa. Last evaluated: 2018-04-13. Review status: criteria provided, single submitter. Criteria: ICSL Variant Classification Criteria 13 December 2019. Collection method: clinical testing. Allele origin: germline.
Comment: This variant was observed as part of a predisposition screen in an ostensibly healthy population. A literature search was performed for the gene, cDNA change, and amino acid change (where applicable). No publications were found based on this search. Allele frequency data from public databases allowed determination this variant is unlikely to cause disease. Therefore, this variant is classified as likely benign.

Illumina Laboratory Services, Illumina
Classification: Likely benign for Vitelliform macular dystrophy 2. Last evaluated: 2018-04-13. Review status: criteria provided, single submitter. Criteria: ICSL Variant Classification Criteria 13 December 2019. Collection method: clinical testing. Allele origin: germline.
Comment: This variant was observed as part of a predisposition screen in an ostensibly healthy population. A literature search was performed for the gene, cDNA change, and amino acid change (where applicable). Publications were found based on this search. The evidence from the literature, in combination with allele frequency data from public databases where available, was sufficient to determine this variant is unlikely to cause disease. Therefore, this variant is classified as likely benign.

Illumina Laboratory Services, Illumina
Classification: Likely benign for Autosomal dominant vitreoretinochoroidopathy. Last evaluated: 2018-04-13. Review status: criteria provided, single submitter. Criteria: ICSL Variant Classification Criteria 13 December 2019. Collection method: clinical testing. Allele origin: germline.
Comment: the same text as in the submission from Illumina Laboratory Services, Illumina above.

Eurofins Ntd Llc (ga)
Classification: Uncertain significance. Last evaluated: 2017-04-17. Review status: criteria provided, single submitter. Criteria: EGL Classification Definitions 2015. Collection method: clinical testing. Allele origin: germline. Observed: 2 variant alleles, 2 heterozygotes.

Institute of Human Genetics, Univ. Regensburg, Univ. Regensburg
Classification: Likely benign for Retinal dystrophy. Last evaluated: 2019-01-01. Review status: no assertion criteria provided. Criteria: ACMG Guidelines, 2015. Collection method: clinical testing. Allele origin: germline. Affected: yes. Not counted in ClinVar's aggregate classification.

Clinical Genetics DNA and cytogenetics Diagnostics Lab, Erasmus MC, Erasmus Medical Center
Classification: Likely benign. Review status: no assertion criteria provided. Collection method: clinical testing. Allele origin: germline. Affected: yes. Study: VKGL Data-share Consensus. Not counted in ClinVar's aggregate classification.

Joint Genome Diagnostic Labs from Nijmegen and Maastricht, Radboudumc and MUMC+
Classification: Likely benign. Review status: no assertion criteria provided. Collection method: clinical testing. Allele origin: germline. Affected: yes. Study: VKGL Data-share Consensus. Not counted in ClinVar's aggregate classification.

Retina International
No classification provided. Review status: no classification provided. Collection method: not provided. Allele origin: not provided. Not counted in ClinVar's aggregate classification.

Literature cited by the submitters: PubMed 10798642 (cited by Illumina Laboratory Services, Illumina).